The following is an entry in ClinVar:

ClinVar aggregate classification (germline): Likely benign (1 of 4 stars; one submission).

Conditions:
TSC2-related disorder. Also called: TSC2-Related Disorders; TSC2-related condition.

gnomAD v4.1: 6 of 1,613,028 alleles (0.00037%); no homozygotes.

Submission:

PreventionGenetics, part of Exact Sciences
Classification: Likely benign for TSC2-related condition. Last evaluated: 2025-06-10. Review status: criteria provided, single submitter. Criteria: ACMG Guidelines, 2015. Collection method: clinical testing. Allele origin: germline.
Comment: This variant is classified as likely benign based on ACMG/AMP sequence variant interpretation guidelines (Richards et al. 2015 PMID: 25741868, with internal and published modifications).

NM_000548.5(TSC2):c.5160+27G>A

Gene: TSC2 (TSC complex subunit 2; plus strand). Cytogenetic location: 16p13.3.
Variant type: single nucleotide variant.
Coding change: c.5160+27G>A on transcript NM_000548.5 (MANE Select); 27 bases into the intron after coding-DNA position 5160, G replaced by A.
Molecular consequence: intron variant.
Genome position (GRCh38, 1-based): chr16:2,088,166, G>A. VCF-style: chr16-2088166-G-A. GRCh37 (hg19) VCF-style: chr16-2138167-G-A.
Other names: c.3618+27G>A (NM_001406693.1, NM_001406692.1, NM_001406694.1); c.5052+27G>A (NM_001406667.1); c.5049+27G>A (NM_001406668.1); c.4560+27G>A (NM_001406680.1); c.4491+27G>A (NM_001406683.1, NM_001406682.1); c.4359+27G>A (NM_001406687.1, NM_001406688.1); c.3747+27G>A (NM_001406689.1); c.3687+27G>A (NM_001406690.1); and 26 more.
Identifiers: ClinVar variation 4981088 (VCV004981088.1).